The following is an entry in ClinVar:

ClinVar aggregate classification (germline): Uncertain significance (1 of 4 stars; one submission).

Conditions:
Pitt-Hopkins-like syndrome 2 (PTHSL2). Identifiers: Orphanet 221150, Orphanet 600663, MedGen C3280479, MONDO:0013690, OMIM 614325.

Submission:

Labcorp Genetics (formerly Invitae), Labcorp
Classification: Uncertain significance for Pitt-Hopkins-like syndrome 2. Last evaluated: 2024-08-19. Review status: criteria provided, single submitter. Criteria: Invitae Variant Classification Sherloc (09022015). Collection method: clinical testing. Allele origin: germline.
Comment: This sequence change replaces asparagine, which is neutral and polar, with serine, which is neutral and polar, at codon 283 of the NRXN1 protein (p.Asn283Ser). This variant is not present in population databases (gnomAD no frequency). This variant has not been reported in the literature in individuals affected with NRXN1-related conditions. An algorithm developed to predict the effect of missense changes on protein structure and function (PolyPhen-2) suggests that this variant is likely to be tolerated. In summary, the available evidence is currently insufficient to determine the role of this variant in disease. Therefore, it has been classified as a Variant of Uncertain Significance.

NM_001330078.2(NRXN1):c.772+1108A>G

Gene: NRXN1 (neurexin 1; minus strand). Cytogenetic location: 2p16.3.
Variant type: single nucleotide variant.
Coding change: c.772+1108A>G on transcript NM_001330078.2 (MANE Select); 1108 bases into the intron after coding-DNA position 772, A replaced by G.
Molecular consequence: intron variant. On other transcripts: missense variant (1).
Genome position (GRCh38, 1-based): chr2:51,026,394, T>C on the plus strand (A>G on the coding strand, the complement: NRXN1 is on the minus strand). VCF-style: chr2-51026394-T-C. GRCh37 (hg19) VCF-style: chr2-51253532-T-C.
Other names: c.848A>G, p.Asn283Ser (NM_001135659.3); c.772+1108A>G (NM_001330096.2, NM_001330087.2, NM_001330083.2 and 14 more transcripts); short protein forms N283S.
Identifiers: ClinVar variation 3715095 (VCV003715095.2).